The following is an entry in ClinVar:

ClinVar aggregate classification (germline): Uncertain significance (1 of 4 stars; one submission).

Conditions:
Familial cancer of breast. Also called: Hereditary breast cancer; BREAST CANCER, FAMILIAL; hereditary breast carcinoma. Identifiers: Orphanet 227535, MedGen C0346153, MONDO:0016419, OMIM 114480. Disease mechanism: loss of function.

Allele frequency attached by ClinVar (database versions not stated): gnomAD exomes below 0.00001.
gnomAD v4.1: 1 of 1,610,002 alleles (0.000062%); highest among the groups gnomAD compares: Non-Finnish European, 0.000085%; no homozygotes.

Submission:

Labcorp Genetics (formerly Invitae), Labcorp
Classification: Uncertain significance for Familial cancer of breast. Last evaluated: 2025-10-10. Review status: criteria provided, single submitter. Criteria: Invitae Variant Classification Sherloc (09022015). Collection method: clinical testing. Allele origin: germline.
Comment: This sequence change replaces serine, which is neutral and polar, with cysteine, which is neutral and slightly polar, at codon 279 of the BARD1 protein (p.Ser279Cys). This variant is not present in population databases (gnomAD no frequency). This variant has not been reported in the literature in individuals affected with BARD1-related conditions. ClinVar contains an entry for this variant (Variation ID: 2703394). An algorithm developed to predict the effect of missense changes on protein structure and function outputs the following: PolyPhen-2: "Benign". The cysteine amino acid residue is found in multiple mammalian species, which suggests that this missense change does not adversely affect protein function. In summary, the available evidence is currently insufficient to determine the role of this variant in disease. Therefore, it has been classified as a Variant of Uncertain Significance.

NM_000465.4(BARD1):c.836C>G (p.Ser279Cys)

Gene: BARD1 (BRCA1 associated RING domain 1; minus strand). Cytogenetic location: 2q35.
Variant type: single nucleotide variant.
Coding change: c.836C>G on transcript NM_000465.4 (MANE Select); coding-DNA position 836, C replaced by G.
Protein change: p.Ser279Cys; replaces serine 279 with cysteine.
Molecular consequence: missense variant. On other transcripts: non-coding transcript variant (2), intron variant (3).
Genome position (GRCh38, 1-based): chr2:214,781,038, G>C on the plus strand (C>G on the coding strand, the complement: BARD1 is on the minus strand). VCF-style: chr2-214781038-G-C. GRCh37 (hg19) VCF-style: chr2-215645762-G-C.
Other names: c.779C>G, p.Ser260Cys (NM_001282543.2); c.158+28374C>G (NM_001282548.2); c.215+16023C>G (NM_001282545.2); c.364+11259C>G (NM_001282549.2); short protein forms S279C, S260C.
Identifiers: ClinVar variation 2703394 (VCV002703394.3), dbSNP rs2469507690, ClinGen allele CA350455352.